The following is an entry in ClinVar:

ClinVar aggregate classification (germline): Uncertain significance (1 of 4 stars; one submission).

Conditions:
Koolen-de Vries syndrome (KDVS). Identifiers: Orphanet 96169, MedGen C1864871, MONDO:0012496, OMIM 610443.

Allele frequency attached by ClinVar (database versions not stated): gnomAD exomes below 0.00001.
gnomAD v4.1: 1 of 1,534,608 alleles (0.000065%); highest among the groups gnomAD compares: Non-Finnish European, 0.000088%; no homozygotes.

Submission:

Labcorp Genetics (formerly Invitae), Labcorp
Classification: Uncertain significance for Koolen-de Vries syndrome. Last evaluated: 2022-04-07. Review status: criteria provided, single submitter. Criteria: Invitae Variant Classification Sherloc (09022015). Collection method: clinical testing. Allele origin: germline.
Comment: This variant is not present in population databases (gnomAD no frequency). This sequence change replaces glutamine, which is neutral and polar, with glutamic acid, which is acidic and polar, at codon 958 of the KANSL1 protein (p.Gln958Glu). This variant has not been reported in the literature in individuals affected with KANSL1-related conditions. In summary, the available evidence is currently insufficient to determine the role of this variant in disease. Therefore, it has been classified as a Variant of Uncertain Significance. Algorithms developed to predict the effect of missense changes on protein structure and function (SIFT, PolyPhen-2, Align-GVGD) all suggest that this variant is likely to be tolerated.

NM_015443.4(KANSL1):c.2872C>G (p.Gln958Glu)

Gene: KANSL1 (KAT8 regulatory NSL complex subunit 1). Cytogenetic location: 17q21.31.
Variant type: single nucleotide variant.
Coding change: c.2872C>G on transcript NM_015443.4 (MANE Select); coding-DNA position 2872, C replaced by G.
Protein change: p.Gln958Glu; replaces glutamine 958 with glutamic acid.
Molecular consequence: missense variant.
Genome position (GRCh38, 1-based): chr17:46,032,265, G>C on the plus strand (C>G on the coding strand, the complement: KANSL1 is on the minus strand). VCF-style: chr17-46032265-G-C. GRCh37 (hg19) VCF-style: chr17-44109631-G-C.
Other names: c.2869C>G, p.Gln957Glu (NM_001193465.2, NM_001405856.1, NM_001405857.1 and 1 more transcripts); c.2872C>G, p.Gln958Glu (NM_001193466.2, NM_001379198.1, NM_001405854.1 and 1 more transcripts); c.2683C>G, p.Gln895Glu (NM_001405878.1, NM_001405875.1, NM_001405876.1 and 1 more transcripts); c.2680C>G, p.Gln894Glu (NM_001405879.1, NM_001405880.1); c.1606C>G, p.Gln536Glu (NM_001405882.1); c.1603C>G, p.Gln535Glu (NM_001405883.1); c.1417C>G, p.Gln473Glu (NM_001405884.1); c.1414C>G, p.Gln472Glu (NM_001405885.1); and 2 more; short protein forms Q473E, Q894E, Q895E, Q924E, Q472E, Q535E, Q536E, Q958E.
Identifiers: ClinVar variation 2122764 (VCV002122764.4), dbSNP rs147378906, ClinGen allele CA399987298.